The following is an entry in ClinVar:

ClinVar aggregate classification (germline): Pathogenic (1 of 4 stars; one submission).

Conditions:
Familial thoracic aortic aneurysm and aortic dissection (TAAD). Also called: Thoracic aortic aneurysms and dissections. Identifiers: Orphanet 91387, MedGen C4707243, MONDO:0019625.

Submission:

Ambry Genetics
Classification: Pathogenic for Familial thoracic aortic aneurysm and aortic dissection. Last evaluated: 2024-05-08. Review status: criteria provided, single submitter. Criteria: Ambry Variant Classification Scheme 2023. Collection method: clinical testing. Allele origin: germline.
Comment: The c.4284_4288dupCTGTG pathogenic mutation, located in coding exon 34 of the FBN1 gene, results from a duplication of CTGTG at nucleotide position 4284, causing a translational frameshift with a predicted alternate stop codon (p.E1430Afs*47). This variant is considered to be rare based on population cohorts in the Genome Aggregation Database (gnomAD). This alteration is expected to result in loss of function by premature protein truncation or nonsense-mediated mRNA decay. As such, this alteration is interpreted as a disease-causing mutation.

NM_000138.5(FBN1):c.4284_4288dup (p.Glu1430fs)

Genes: FBN1 (fibrillin 1; minus strand), LOC126862124 (CDK7 strongly-dependent group 2 enhancer GRCh37_chr15:48764566-48765765; plus strand). Cytogenetic location: 15q21.1.
Variant type: Duplication.
Coding change: c.4284_4288dup on transcript NM_000138.5 (MANE Select); coding-DNA positions 4284 to 4288, 5 bases duplicated (CTGTG; older notation c.4284_4288dupCTGTG).
Protein change: p.Glu1430fs; shifts the reading frame from glutamic acid 1430.
Molecular consequence: frameshift variant.
Genome position (GRCh38, 1-based): chr15:48,472,599-48,472,603, CACAG duplicated on the plus strand (CTGTG on the coding strand, the reverse complement: FBN1 is on the minus strand); duplicating any 5 consecutive bases within chr15:48,472,599-48,472,604 gives the same sequence; the c. name uses the placement nearest the transcript's 3' end. VCF-style (leftmost placement, unchanged base first): chr15-48472598-T-TCACAG. GRCh37 (hg19) VCF-style: chr15-48764795-T-TCACAG.
Other names: c.4284_4288dupCTGTG (NM_000138.4); c.4284_4288dup, p.Glu1430fs (NM_001406716.1); short protein forms E1430fs.
Identifiers: ClinVar variation 3277948 (VCV003277948.1).
Genomic context (GRCh38, chr15:48,472,598, plus strand): 5'-CCCCATCAGTTACCTTCACAGGCTTTCCCGTCAGCACTGGGCACGAAGCCCATGTCGCAT[T>TCACAG]CACAGCGGTATCCTCCTGGTGCATTGAGGCACTGGCCATTGCCACAGAGATTCAGGTTCT-3'